The following is an entry in ClinVar:

NM_001164277.2(SLC37A4):c.381+1G>C

Gene: SLC37A4 (solute carrier family 37 member 4; minus strand). Cytogenetic location: 11q23.3.
Variant type: single nucleotide variant.
Coding change: c.381+1G>C on transcript NM_001164277.2 (MANE Select); the canonical splice donor site of the intron after coding-DNA position 381, G replaced by C.
Molecular consequence: splice donor variant.
Genome position (GRCh38, 1-based): chr11:119,028,193, C>G on the plus strand (G>C on the coding strand, the complement: SLC37A4 is on the minus strand). VCF-style: chr11-119028193-C-G. GRCh37 (hg19) VCF-style: chr11-118898903-C-G.
Other names: c.162+1G>C (NM_001164279.2); c.381+1G>C (NM_001467.6, NM_001164278.2, NM_001164280.2).
Identifiers: ClinVar variation 4061746 (VCV004061746.2).

ClinVar aggregate classification (germline): Pathogenic (1 of 4 stars; one submission).

Conditions:
Glucose-6-phosphate transport defect (GSD1B). Also called: Glycogen Storage Disease Type Ib; GSD Ib. Identifiers: Orphanet 364, Orphanet 79259, MedGen C0268146, MONDO:0009288, OMIM 232220.

Submission:

Natera, Inc.
Classification: Pathogenic for Glycogen storage disease type Ib. Last evaluated: 2025-03-06. Review status: criteria provided, single submitter. Criteria: Natera Variant Classification Schema (03/2026). Collection method: clinical testing. Allele origin: germline.
Comment: The c.381+1G>C variant in SLC37A4 is a canonical splice donor site variant predicted to affect pre-mRNA splicing, which may result in an abnormal transcript and altered protein product. This variant is expected to result in nonsense mediated decay, truncation, or a dysfunctional protein product. This variant is rare in the general population with a frequency below the threshold expected for the associated phenotype(s). This variant has been observed in one or more individuals affected with the associated recessive disease, as either homozygous or compound heterozygous with a second variant (PMID: 25804016). Another variant at this same site results in an alteration predicted to cause a similar molecular effect has been observed in individual(s) with the associated phenotype. Given the available evidence, this variant is classified as Pathogenic.

Literature cited by the submitters: PubMed 25804016.